The following is an entry in ClinVar:

NM_002439.5(MSH3):c.2647_2655+13delinsTATTTATTATTTGG

Gene: MSH3 (mutS homolog 3; plus strand). Cytogenetic location: 5q14.1.
Variant type: Indel.
Coding change: c.2647_2655+13delinsTATTTATTATTTGG on transcript NM_002439.5 (MANE Select); coding-DNA position 2647 through 13 bases into the intron after coding-DNA position 2655, GATTTATCAGTAAGTACCTTAT replaced by TATTTATTATTTGG.
Molecular consequence: splice donor variant.
Genome position (GRCh38, 1-based): chr5:80,792,836-80,792,857, GATTTATCAGTAAGTACCTTAT replaced by TATTTATTATTTGG. GRCh37 (hg19): chr5:80,088,655-80,088,676.
Identifiers: ClinVar variation 3398683 (VCV003398683.1).
Genomic context (GRCh38, chr5:80,792,836, plus strand): 5'-AGGCACCCTGTGATTGATGTGTTGCTGGGAGAACAGGATCAATATGTCCCAAATAATACA[GATTTATCAGTAAGTACCTTAT>TATTTATTATTTGG]GCCAAAAAATAAGTCGATGATAACATCCCAAACTTTTACATACCAAAGAAACATTTTTAT-3'

ClinVar aggregate classification (germline): Likely pathogenic (1 of 4 stars; one submission).

Conditions:
Hereditary cancer-predisposing syndrome. Also called: Hereditary Cancer Syndrome; Tumor predisposition; Hereditary neoplastic syndrome; Neoplastic Syndromes, Hereditary. Identifiers: Orphanet 140162, MedGen C0027672, MeSH D009386, MONDO:0015356.

Submission:

Ambry Genetics
Classification: Likely pathogenic for Hereditary cancer-predisposing syndrome. Last evaluated: 2024-07-03. Review status: criteria provided, single submitter. Criteria: Ambry Variant Classification Scheme 2023. Collection method: clinical testing. Allele origin: germline.
Comment: The c.2647_2655+13del22ins14 variant results from a deletion of 22 nucleotides and insertion of 14 nucleotides at positions c.2647 to c.2655+13 and involves the canonical splice donor site after coding exon 19 of the MSH3 gene. The canonical splice donor site is highly conserved in available vertebrate species. In silico splice site analysis predicts that this alteration will weaken the native splice donor site. RNA studies have demonstrated that this alteration results in abnormal splicing in the set of samples tested (Ambry internal data). This variant is considered to be rare based on population cohorts in the Genome Aggregation Database (gnomAD). Alterations that disrupt the canonical splice site are expected to cause aberrant splicing, resulting in an abnormal protein or a transcript that is subject to nonsense-mediated mRNA decay. As such, this alteration is classified as likely pathogenic.